The following is an entry in ClinVar:

NM_001009944.3(PKD1):c.5132C>T (p.Thr1711Ile)

Gene: PKD1 (polycystin 1, transient receptor potential channel interacting; minus strand). Cytogenetic location: 16p13.3.
Variant type: single nucleotide variant.
Coding change: c.5132C>T on transcript NM_001009944.3 (MANE Select); coding-DNA position 5132, C replaced by T.
Protein change: p.Thr1711Ile; replaces threonine 1711 with isoleucine.
Molecular consequence: missense variant.
Genome position (GRCh38, 1-based): chr16:2,110,035, G>A on the plus strand (C>T on the coding strand, the complement: PKD1 is on the minus strand). VCF-style: chr16-2110035-G-A. GRCh37 (hg19) VCF-style: chr16-2160036-G-A.
Other names: c.5132C>T (NM_001009944.2); c.5132C>T, p.Thr1711Ile (NM_000296.4); short protein forms T1711I.
Identifiers: ClinVar variation 974496 (VCV000974496.3), dbSNP rs750076336, ClinGen allele CA7832106.
Genomic context (GRCh38, chr16:2,110,035, plus strand): 5'-GCAGCTGGGTTCGGGGAGGCGGCCACCATCAGCCACCCCACAGGCTCCACGAAGTCCATG[G>A]TGCAGTCGGCCCAGGCGCTGCCCAGCATGTTGGTGGCCCGCAGCTGCACATGGTAGGTGC-3'
Protein context (NP_001009944.3, residues 1701-1721): NMLGSAWADC[Thr1711Ile]MDFVEPVGWL

ClinVar aggregate classification (germline): Uncertain significance; other. Review status: criteria provided, multiple submitters, no conflicts (2 of 4 stars). 3 submissions from 3 submitters: Uncertain significance (2). Last evaluated 2026-03-16.

Conditions:
Polycystic kidney disease, adult type (PKD1). Also called: Polycystic Kidney, Autosomal Dominant; Polycystic Kidney Disease 1, Autosomal Dominant; Polycystic kidney disease 1; Polycystic kidney disease 1, severe; POLYCYSTIC KIDNEY DISEASE 1 WITH OR WITHOUT POLYCYSTIC LIVER DISEASE; POLYCYSTIC KIDNEY DISEASE, ADULT, TYPE I. Identifiers: MedGen C3149841, MONDO:0008263, OMIM 173900.
PKD1-related disorder. Also called: PKD1-related condition.

Allele frequency attached by ClinVar (database versions not stated): gnomAD 0.00003; TOPMed 0.00006.
gnomAD v4.1: 27 of 1,610,448 alleles (0.0017%); highest among the groups gnomAD compares: Admixed American, 0.01%; no homozygotes.

Submissions (3):

PreventionGenetics, part of Exact Sciences
Classification: Uncertain significance for PKD1-related condition. Last evaluated: 2026-03-16. Review status: criteria provided, single submitter. Criteria: ACMG Guidelines, 2015. Collection method: clinical testing. Allele origin: germline.
Comment: The PKD1 c.5132C>T variant is predicted to result in the amino acid substitution p.Thr1711Ile. This variant is reported in 0.011% of alleles in individuals of Latino descent in gnomAD. Although we suspect that this variant may be benign, at this time, the clinical significance of this variant is uncertain due to the absence of conclusive functional and genetic evidence.

Fulgent Genetics
Classification: Uncertain significance for Polycystic kidney disease, adult type. Last evaluated: 2024-05-31. Review status: criteria provided, single submitter. Criteria: ACMG Guidelines, 2015. Collection method: clinical testing. Allele origin: germline.

Molecular Biology Laboratory, Fundació Puigvert
Classification: other for Polycystic kidney disease, adult type. Last evaluated: 2020-02-01. Review status: criteria provided, single submitter. Criteria: ACMG Guidelines, 2015. Collection method: research. Allele origin: paternal. Affected: yes. Study: KidneyPanel_2020.

Literature cited by the submitters: PubMed 33532864 (cited by Molecular Biology Laboratory, Fundació Puigvert).